The following is an entry in ClinVar:

NM_000297.4(PKD2):c.2657A>T (p.Asp886Val)

Gene: PKD2 (polycystin 2, transient receptor potential cation channel; plus strand). Cytogenetic location: 4q22.1.
Variant type: single nucleotide variant.
Coding change: c.2657A>T on transcript NM_000297.4 (MANE Select); coding-DNA position 2657, A replaced by T.
Protein change: p.Asp886Val; replaces aspartic acid 886 with valine.
Molecular consequence: missense variant. On other transcripts: non-coding transcript variant (1).
Genome position (GRCh38, 1-based): chr4:88,074,946, A>T. VCF-style: chr4-88074946-A-T. GRCh37 (hg19) VCF-style: chr4-88996098-A-T.
Other names: short protein forms D886V.
Identifiers: ClinVar variation 3647276 (VCV003647276.2).

ClinVar aggregate classification (germline): Uncertain significance (1 of 4 stars; one submission).

Conditions:
Autosomal dominant polycystic kidney disease. Identifiers: Orphanet 730, MedGen C0085413, MONDO:0004691.

Submission:

Labcorp Genetics (formerly Invitae), Labcorp
Classification: Uncertain significance for Autosomal dominant polycystic kidney disease. Last evaluated: 2025-07-10. Review status: criteria provided, single submitter. Criteria: Invitae Variant Classification Sherloc (09022015). Collection method: clinical testing. Allele origin: germline.
Comment: This sequence change replaces aspartic acid, which is acidic and polar, with valine, which is neutral and non-polar, at codon 886 of the PKD2 protein (p.Asp886Val). This variant is not present in population databases (gnomAD no frequency). This variant has not been reported in the literature in individuals affected with PKD2-related conditions. ClinVar contains an entry for this variant (Variation ID: 3647276). Invitae Evidence Modeling of protein sequence and biophysical properties (such as structural, functional, and spatial information, amino acid conservation, physicochemical variation, residue mobility, and thermodynamic stability) has been performed for this missense variant. However, the output from this modeling did not meet the statistical confidence thresholds required to predict the impact of this variant on PKD2 protein function. Algorithms developed to predict the effect of sequence changes on RNA splicing suggest that this variant may disrupt the consensus splice site. In summary, the available evidence is currently insufficient to determine the role of this variant in disease. Therefore, it has been classified as a Variant of Uncertain Significance.